The following is an entry in ClinVar:

ClinVar aggregate classification (germline): Uncertain significance (1 of 4 stars; one submission).

Submission:

GeneDx
Classification: Uncertain significance. Last evaluated: 2022-02-09. Review status: criteria provided, single submitter. Criteria: GeneDx Variant Classification Process June 2021. Collection method: clinical testing. Allele origin: germline. Affected: yes.
Comment: In-frame deletion of 1 amino acids in a non-repeat region; In silico analysis supports a deleterious effect on protein structure/function; Not observed at significant frequency in large population cohorts (gnomAD); Has not been previously published as pathogenic or benign to our knowledge

NM_001999.4(FBN2):c.4757GAG[1] (p.Gly1587del)

Gene: FBN2 (fibrillin 2; minus strand). Cytogenetic location: 5q23.3.
Variant type: Microsatellite.
Coding change: c.4757GAG[1] on transcript NM_001999.4 (MANE Select); one copy of the 3-base unit GAG starting at c.4757; the reference has two copies in a row; one copy, 3 bases deleted.
Protein change: p.Gly1587del; deletes glycine 1587.
Molecular consequence: inframe deletion.
Genome position (GRCh38, 1-based): chr5:128,312,751-128,312,753, CTC deleted on the plus strand (GAG on the coding strand, the reverse complement: FBN2 is on the minus strand); deleting any 3 consecutive bases within chr5:128,312,751-128,312,756 gives the same sequence; the position shown is the placement nearest the transcript's 3' end. VCF-style (leftmost placement, unchanged base first): chr5-128312750-TCTC-T. GRCh37 (hg19) VCF-style: chr5-127648442-TCTC-T.
Other names: short protein forms G1587del.
Identifiers: ClinVar variation 1700910 (VCV001700910.2), dbSNP rs2126847728, ClinGen allele CA2580613651.
Genomic context (GRCh38, chr5:128,312,750, plus strand): 5'-CAGCAGCATGAAGAGCGACTGACGCCCACCCCGATCTCGGTGTTGCAAGACAGACTCCCA[TCTC>T]CTCGAGGTCCAAACTTCAGGTAGCAGTTGCCCACACGGTTGTCTGCAGAGCAACAAAGGA-3'